The following is an entry in ClinVar:

ClinVar aggregate classification (germline): Uncertain significance. Review status: criteria provided, multiple submitters, no conflicts (2 of 4 stars). 2 submissions from 2 submitters: Uncertain significance (2). Last evaluated 2024-10-23.

Conditions:
Thrombocythemia 1 (THCYT1). Also called: THROMBOCYTOSIS 1; THROMBOCYTHEMIA, SOMATIC. Identifiers: MedGen C3277671, MONDO:0008554, OMIM 187950.
Amegakaryocytic thrombocytopenia, congenital, 2 (CAMT2). Identifiers: MedGen C5882679, MONDO:0957575, OMIM 620481.
Thrombocytopenia 9 (THC9). Also called: THROMBOCYTOPENIA, AUTOSOMAL DOMINANT, 9. Identifiers: MedGen C5882678, MONDO:0957572, OMIM 620478.

gnomAD v4.1: 10 of 1,614,046 alleles (0.00062%); highest among the groups gnomAD compares: South Asian, 0.0088%; no homozygotes.

Submissions (2):

Labcorp Genetics (formerly Invitae), Labcorp
Classification: Uncertain significance. Last evaluated: 2024-10-23. Review status: criteria provided, single submitter. Criteria: Invitae Variant Classification Sherloc (09022015). Collection method: clinical testing. Allele origin: germline.
Comment: This sequence change replaces serine, which is neutral and polar, with phenylalanine, which is neutral and non-polar, at codon 239 of the THPO protein (p.Ser239Phe). This variant is not present in population databases (gnomAD no frequency). This variant has not been reported in the literature in individuals affected with THPO-related conditions. Invitae Evidence Modeling of protein sequence and biophysical properties (such as structural, functional, and spatial information, amino acid conservation, physicochemical variation, residue mobility, and thermodynamic stability) indicates that this missense variant is not expected to disrupt THPO protein function with a negative predictive value of 80%. In summary, the available evidence is currently insufficient to determine the role of this variant in disease. Therefore, it has been classified as a Variant of Uncertain Significance.

Fulgent Genetics
Classification: Uncertain significance for Thrombocythemia 1; Thrombocytopenia 9; Amegakaryocytic thrombocytopenia, congenital, 2. Last evaluated: 2024-05-10. Review status: criteria provided, single submitter. Criteria: ACMG Guidelines, 2015. Collection method: clinical testing. Allele origin: germline.

NM_000460.4(THPO):c.716C>T (p.Ser239Phe)

Gene: THPO (thrombopoietin; minus strand). Cytogenetic location: 3q27.1.
Variant type: single nucleotide variant.
Coding change: c.716C>T on transcript NM_000460.4 (MANE Select); coding-DNA position 716, C replaced by T.
Protein change: p.Ser239Phe; replaces serine 239 with phenylalanine.
Molecular consequence: missense variant. On other transcripts: synonymous variant (4).
Genome position (GRCh38, 1-based): chr3:184,372,859, G>A on the plus strand (C>T on the coding strand, the complement: THPO is on the minus strand). VCF-style: chr3-184372859-G-A. GRCh37 (hg19) VCF-style: chr3-184090647-G-A.
Other names: c.704C>T, p.Ser235Phe (NM_001177597.2, NM_001290022.1); c.699C>T, p.Val233= (NM_001177598.2, NM_001290026.1); c.600C>T, p.Val200= (NM_001289997.1, NM_001290027.1); c.716C>T, p.Ser239Phe (NM_001289998.1, NM_001290028.1); c.1136C>T, p.Ser379Phe (NM_001290003.1); short protein forms S379F, S239F, S235F.
Identifiers: ClinVar variation 3589064 (VCV003589064.3).